The following is an entry in ClinVar:

ClinVar aggregate classification (germline): Likely benign (1 of 4 stars; one submission).

Submission:

CeGaT Center for Human Genetics Tuebingen
Classification: Likely benign. Last evaluated: 2023-07-01. Review status: criteria provided, single submitter. Criteria: CeGaT Center For Human Genetics Tuebingen Variant Classification Criteria Version 2. Collection method: clinical testing. Allele origin: germline. Affected: yes. Observed: 2 variant alleles.
Comment: MYT1L: BS1

NM_001303052.2(MYT1L):c.3080+4168_3080+4200del

Gene: MYT1L (myelin transcription factor 1 like; minus strand). Cytogenetic location: 2p25.3.
Variant type: Microsatellite.
Coding change: c.3080+4168_3080+4200del on transcript NM_001303052.2 (MANE Select); bases 4168 to 4200 of the intron after coding-DNA position 3080, 33 bases deleted.
Molecular consequence: intron variant.
Genome position (GRCh38, 1-based): chr2:1,834,949-1,834,981, 33 bases deleted; deleting any 33 consecutive bases within chr2:1,834,949-1,835,033 gives the same sequence; the c. name uses the placement nearest the transcript's 3' end. GRCh37 (hg19), VCF-style position (the base before the change): chr2:1,838,720.
Other names: c.3074+4168_3074+4200del (NM_015025.4, NM_001329847.2, NM_001329848.1 and 3 more transcripts); c.3080+4168_3080+4200del (NM_001329844.2, NM_001329845.1, NM_001329851.3).
Identifiers: ClinVar variation 2650614 (VCV002650614.24), dbSNP rs2040668768, ClinGen allele CA530409923.